The following is an entry in ClinVar:

ClinVar aggregate classification (germline): Uncertain significance. Review status: criteria provided, multiple submitters, no conflicts (2 of 4 stars). 4 submissions from 4 submitters: Uncertain significance (4). Last evaluated 2025-12-16.

Conditions:
ABCG5-related disorder. Also called: ABCG5-related condition.
Sitosterolemia (STSL). Also called: PHYTOSTEROLEMIA. Identifiers: Orphanet 2882, MedGen C0342907, MONDO:0008863.

Allele frequency attached by ClinVar (database versions not stated): gnomAD exomes 0.00001 and 0.00005; gnomAD 0.00003 and 0.00002; TOPMed 0.00003; ESP Exome Variant Server 0.00008; ExAC 0.00003.
gnomAD v4.1: 23 of 1,613,978 alleles (0.0014%); highest among the groups gnomAD compares: Admixed American, 0.02%; no homozygotes.

Submissions (4):

Labcorp Genetics (formerly Invitae), Labcorp
Classification: Uncertain significance for Sitosterolemia. Last evaluated: 2025-12-16. Review status: criteria provided, single submitter. Criteria: Invitae Variant Classification Sherloc (09022015). Collection method: clinical testing. Allele origin: germline.
Comment: This sequence change replaces asparagine, which is neutral and polar, with lysine, which is basic and polar, at codon 440 of the ABCG5 protein (p.Asn440Lys). This variant is present in population databases (rs150002815, gnomAD 0.03%). This missense change has been observed in individual(s) with clinical features of familial hypercholesterolemia (PMID: 29066094). ClinVar contains an entry for this variant (Variation ID: 289811). An algorithm developed to predict the effect of missense changes on protein structure and function (PolyPhen-2) suggests that this variant is likely to be tolerated. In summary, the available evidence is currently insufficient to determine the role of this variant in disease. Therefore, it has been classified as a Variant of Uncertain Significance.

PreventionGenetics, part of Exact Sciences
Classification: Uncertain significance for ABCG5-related condition. Last evaluated: 2025-05-11. Review status: criteria provided, single submitter. Criteria: ACMG Guidelines, 2015. Collection method: clinical testing. Allele origin: germline.
Comment: The ABCG5 c.1320T>A variant is predicted to result in the amino acid substitution p.Asn440Lys. This alteration has been observed in an individual with clinical features of familial hypercholesterolemia (Lamiquiz-Moneo et al. 2017. PubMed ID: 29066094). This variant is reported in 0.025% of alleles in individuals of Latino descent in gnomAD and is interpreted as uncertain in ClinVar. At this time, the clinical significance of this variant is uncertain due to the absence of conclusive functional and genetic evidence.

GeneDx
Classification: Uncertain significance. Last evaluated: 2024-05-24. Review status: criteria provided, single submitter. Criteria: GeneDx Variant Classification Process June 2021. Collection method: clinical testing. Allele origin: germline. Affected: yes.
Comment: In silico analysis indicates that this missense variant does not alter protein structure/function; This variant is associated with the following publications: (PMID: 29066094)

Eurofins Ntd Llc (ga)
Classification: Uncertain significance. Last evaluated: 2017-11-08. Review status: criteria provided, single submitter. Criteria: EGL Classification Definitions 2015. Collection method: clinical testing. Allele origin: germline. Observed: 2 variant alleles, 2 heterozygotes.

Literature cited by the submitters: PubMed 29066094 (cited by Labcorp Genetics (formerly Invitae), Labcorp).

NM_022436.3(ABCG5):c.1320T>A (p.Asn440Lys)

Genes: ABCG5 (ATP binding cassette subfamily G member 5; minus strand), DYNC2LI1 (dynein cytoplasmic 2 light intermediate chain 1; plus strand). Cytogenetic location: 2p21.
Variant type: single nucleotide variant.
Coding change: c.1320T>A on transcript NM_022436.3 (MANE Select); coding-DNA position 1320, T replaced by A.
Protein change: p.Asn440Lys; replaces asparagine 440 with lysine.
Molecular consequence: missense variant. On other transcripts: intron variant (2).
Genome position (GRCh38, 1-based): chr2:43,823,917, A>T on the plus strand (T>A on the coding strand, the complement: ABCG5 is on the minus strand). VCF-style: chr2-43823917-A-T. GRCh37 (hg19) VCF-style: chr2-44051056-A-T.
Other names: c.*16-3469A>T (NM_001348913.2, NM_001348912.2); short protein forms N440K.
Identifiers: ClinVar variation 289811 (VCV000289811.13), dbSNP rs150002815, ClinGen allele CA1636338.